The following is an entry in ClinVar:

ClinVar aggregate classification (germline): Likely benign (0 of 4 stars; one submission).

Conditions:
EP300-related disorder. Also called: EP300-related disorders; EP300-related condition.

gnomAD v4.1: 6 of 1,601,930 alleles (0.00037%); highest among the groups gnomAD compares: Non-Finnish European, 0.00043%; no homozygotes.

Submission:

PreventionGenetics, part of Exact Sciences
Classification: Likely benign for EP300-related condition. Last evaluated: 2024-07-01. Review status: no assertion criteria provided. Collection method: clinical testing. Allele origin: germline.
Comment: This variant is classified as likely benign based on ACMG/AMP sequence variant interpretation guidelines (Richards et al. 2015 PMID: 25741868, with internal and published modifications).

NM_001429.4(EP300):c.*4C>T

Gene: EP300 (E1A binding protein p300; plus strand). Cytogenetic location: 22q13.2.
Variant type: single nucleotide variant.
Coding change: c.*4C>T on transcript NM_001429.4 (MANE Select); 4 bases downstream of the stop codon, C replaced by T.
Molecular consequence: 3 prime UTR variant.
Genome position (GRCh38, 1-based): chr22:41,178,960, C>T. VCF-style: chr22-41178960-C-T. GRCh37 (hg19) VCF-style: chr22-41574964-C-T.
Other names: c.*4C>T (NM_001362843.2).
Identifiers: ClinVar variation 3357397 (VCV003357397.1).